The following is an entry in ClinVar:

ClinVar aggregate classification (germline): Pathogenic/Likely pathogenic. Review status: criteria provided, multiple submitters, no conflicts (2 of 4 stars). 2 submissions from 2 submitters: Pathogenic (1); Likely pathogenic (1). Last evaluated 2024-04-25.

Conditions:
Familial thoracic aortic aneurysm and aortic dissection (TAAD). Also called: Thoracic aortic aneurysms and dissections. Identifiers: Orphanet 91387, MedGen C4707243, MONDO:0019625.
Aneurysm-osteoarthritis syndrome. Also called: Loeys-Dietz syndrome, type 1C; LOEYS-DIETZ SYNDROME WITH OSTEOARTHRITIS; SMAD3-Related Loeys-Dietz Syndrome; ANEURYSMS-OSTEOARTHRITIS SYNDROME. Identifiers: Orphanet 284984, MedGen C3151087, MONDO:0013426, OMIM 613795.

Submissions (2):

Department of Clinical Genetics, Copenhagen University Hospital, Rigshospitalet
Classification: Likely pathogenic for Aneurysm-osteoarthritis syndrome. Last evaluated: 2024-04-25. Review status: criteria provided, single submitter. Criteria: ACMG Guidelines, 2015. Collection method: clinical testing. Allele origin: germline.
Comment: PVS1_VStr, PP3_M, PM2_Sup

Labcorp Genetics (formerly Invitae), Labcorp
Classification: Pathogenic for Familial thoracic aortic aneurysm and aortic dissection. Last evaluated: 2021-03-17. Review status: criteria provided, single submitter. Criteria: Invitae Variant Classification Sherloc (09022015). Collection method: clinical testing. Allele origin: germline.
Comment: For these reasons, this variant has been classified as Pathogenic. This variant disrupts the C-terminus of the SMAD3 protein. Other variant(s) that disrupt this region (p.Trp406*) have been determined to be pathogenic (PMID: 30661052, Invitae). This suggests that variants that disrupt this region of the protein are likely to be causative of disease. This variant has not been reported in the literature in individuals with SMAD3-related conditions. This variant is not present in population databases (ExAC no frequency). This sequence change creates a premature translational stop signal (p.Gly381*) in the SMAD3 gene. While this is not anticipated to result in nonsense mediated decay, it is expected to disrupt the last 45 amino acid(s) of the SMAD3 protein.

Literature cited by the submitters: PubMed 30661052 (cited by Labcorp Genetics (formerly Invitae), Labcorp).

NM_005902.4(SMAD3):c.1141G>T (p.Gly381Ter)

Gene: SMAD3 (SMAD family member 3; plus strand). Cytogenetic location: 15q22.33.
Variant type: single nucleotide variant.
Coding change: c.1141G>T on transcript NM_005902.4 (MANE Select); coding-DNA position 1141, G replaced by T.
Protein change: p.Gly381Ter; replaces glycine 381 with a stop codon.
Molecular consequence: nonsense.
Genome position (GRCh38, 1-based): chr15:67,187,496, G>T. VCF-style: chr15-67187496-G-T. GRCh37 (hg19) VCF-style: chr15-67479834-G-T.
Other names: c.826G>T, p.Gly276Ter (NM_001145102.2); c.1009G>T, p.Gly337Ter (NM_001145103.2); c.556G>T, p.Gly186Ter (NM_001145104.2); short protein forms G186*, G276*, G337*, G381*.
Identifiers: ClinVar variation 1453411 (VCV001453411.9), dbSNP rs2140323765, ClinGen allele CA392958345.
Genomic context (GRCh38, chr15:67,187,496, plus strand): 5'-GAGGCTGTCTACCAGTTGACCCGAATGTGCACCATCCGCATGAGCTTCGTCAAAGGCTGG[G>T]GAGCGGAGTACAGGTCAGTTATGGGTGCTGCCTACATCAGGGGACCCAACTCCAGGTGAC-3'